The following is an entry in ClinVar:

ClinVar aggregate classification (germline): Likely benign (1 of 4 stars; one submission).

Allele frequency attached by ClinVar (database versions not stated): gnomAD exomes 0.00004; ExAC 0.00014; ESP Exome Variant Server 0.00015; gnomAD 0.00017; TOPMed 0.00027; 1000 Genomes Project 30x 0.00031; 1000 Genomes Project 0.00040.
gnomAD v4.1: 85 of 1,614,158 alleles (0.0053%); highest among the groups gnomAD compares: East Asian, 0.04%; no homozygotes.

Submission:

CeGaT Center for Human Genetics Tuebingen
Classification: Likely benign. Last evaluated: 2022-09-01. Review status: criteria provided, single submitter. Criteria: CeGaT Center For Human Genetics Tuebingen Variant Classification Criteria Version 2. Collection method: clinical testing. Allele origin: germline. Affected: yes. Observed: 1 variant allele.
Comment: ZNF473: BP4, BP7

NM_015428.4(ZNF473):c.582C>T (p.Ser194=)

Gene: ZNF473 (zinc finger protein 473; plus strand). Cytogenetic location: 19q13.33.
Variant type: single nucleotide variant.
Coding change: c.582C>T on transcript NM_015428.4 (MANE Select); coding-DNA position 582, C replaced by T.
Protein change: p.Ser194=; no amino-acid change (serine 194 retained).
Molecular consequence: synonymous variant.
Genome position (GRCh38, 1-based): chr19:50,045,025, C>T. VCF-style: chr19-50045025-C-T. GRCh37 (hg19) VCF-style: chr19-50548282-C-T.
Other names: c.582C>T, p.Ser194= (NM_001006656.4); c.546C>T, p.Ser182= (NM_001308424.3).
Identifiers: ClinVar variation 2650300 (VCV002650300.24), dbSNP rs377312436, ClinGen allele CA9591497.
Genomic context (GRCh38, chr19:50,045,025, plus strand): 5'-TGAAAAGACCCTCACACCAGCTAAGTCTAAGGAATATAGGGGTGAGTTTTTCTCCTACTC[C>T]GACCACAGCCAGCAGGATTCTGTTCAGGAAGGGGAGAAACCATATCAATGTAGTGAATGT-3'
Protein context (NP_056243.1, residues 184-204): KEYRGEFFSY[Ser194=]DHSQQDSVQE